The following is an entry in ClinVar:

ClinVar aggregate classification (germline): Conflicting classifications of pathogenicity. Review status: criteria provided, conflicting classifications (1 of 4 stars). 2 submissions from 2 submitters: Uncertain significance (1); Likely benign (1). Last evaluated 2022-06-26.

Conditions:
Pyridoxal phosphate-responsive seizures (PNPOD). Also called: Pyridoxal 5'-Phosphate (PLP)-Dependent Epilepsy; EPILEPTIC ENCEPHALOPATHY, NEONATAL, PNPO-RELATED; Pyridoxamine 5-Prime-Phosphate Oxidase Deficiency; Pyridoxine-5'-phosphate oxidase deficiency; SEIZURES, PYRIDOXINE-RESISTANT, PLP-SENSITIVE. Identifiers: Orphanet 79096, MedGen C1864723, MONDO:0012407, OMIM 610090. Disease mechanism: loss of function.

Allele frequency attached by ClinVar (database versions not stated): TOPMed below 0.00001; ExAC 0.00002; gnomAD exomes 0.00002.
gnomAD v4.1: 8 of 1,591,588 alleles (0.0005%); highest among the groups gnomAD compares: Admixed American, 0.005%; no homozygotes.

Submissions (2):

Labcorp Genetics (formerly Invitae), Labcorp
Classification: Uncertain significance for Pyridoxal phosphate-responsive seizures. Last evaluated: 2022-06-26. Review status: criteria provided, single submitter. Criteria: Invitae Variant Classification Sherloc (09022015). Collection method: clinical testing. Allele origin: germline.
Comment: This sequence change falls in intron 5 of the PNPO gene. It does not directly change the encoded amino acid sequence of the PNPO protein. This variant is present in population databases (rs750566159, gnomAD 0.009%). This variant has not been reported in the literature in individuals affected with PNPO-related conditions. ClinVar contains an entry for this variant (Variation ID: 390128). Algorithms developed to predict the effect of sequence changes on RNA splicing suggest that this variant may disrupt the consensus splice site. In summary, the available evidence is currently insufficient to determine the role of this variant in disease. Therefore, it has been classified as a Variant of Uncertain Significance.

GeneDx
Classification: Likely benign. Last evaluated: 2017-08-23. Review status: criteria provided, single submitter. Criteria: GeneDx Variant Classification (06012015). Collection method: clinical testing. Allele origin: germline. Affected: yes.
Comment: This variant is considered likely benign or benign based on one or more of the following criteria: it is a conservative change, it occurs at a poorly conserved position in the protein, it is predicted to be benign by multiple in silico algorithms, and/or has population frequency not consistent with disease.

NM_018129.4(PNPO):c.547-17C>G

Gene: PNPO (pyridoxamine 5'-phosphate oxidase; plus strand). Cytogenetic location: 17q21.32.
Variant type: single nucleotide variant.
Coding change: c.547-17C>G on transcript NM_018129.4 (MANE Select); 17 bases into the intron before coding-DNA position 547, C replaced by G.
Molecular consequence: intron variant.
Genome position (GRCh38, 1-based): chr17:47,946,306, C>G. VCF-style: chr17-47946306-C-G. GRCh37 (hg19) VCF-style: chr17-46023672-C-G.
Identifiers: ClinVar variation 390128 (VCV000390128.7), dbSNP rs750566159, ClinGen allele CA8629236.